The following is an entry in ClinVar:

ClinVar aggregate classification (germline): Uncertain significance. Review status: criteria provided, single submitter (1 of 4 stars). 2 submissions from 2 submitters: Uncertain significance (1). 1 of the submissions does not count toward it. Last evaluated 2018-10-15.

Conditions:
Glycosylphosphatidylinositol biosynthesis defect 15. Also called: DEVELOPMENTAL DELAY, EPILEPSY, CEREBELLAR ATROPHY, AND OSTEOPENIA. Identifiers: Orphanet 529665, MedGen C4540520, MONDO:0060627, OMIM 617810.

Submissions (2):

SIB Swiss Institute of Bioinformatics
Classification: Uncertain significance for Glycosylphosphatidylinositol biosynthesis defect 15. Last evaluated: 2018-10-15. Review status: criteria provided, single submitter. Criteria: ACMG Guidelines, 2015. Collection method: curation. Allele origin: germline.
Comment: This variant is interpreted as Uncertain Significance - Insufficient Evidence, for Glycosylphosphatidylinositol biosynthesis defect 15, autosomal recessive. The following ACMG Tag(s) were applied: PM2 => Absent from controls (or at extremely low frequency if recessive) in Exome Sequencing Project, 1000 Genomes Project, or Exome Aggregation Consortium. PP1 => Cosegregation with disease in multiple affected family members in a gene definitively known to cause the disease (PubMed 29100095). PM3-Supporting => PM3 downgraded in strength to Supporting (PubMed 29100095). PP3 => Multiple lines of computational evidence support a deleterious effect on the gene or gene product.

OMIM
Classification: Pathogenic for GLYCOSYLPHOSPHATIDYLINOSITOL BIOSYNTHESIS DEFECT 15. Last evaluated: 2017-12-18. Review status: no assertion criteria provided. Collection method: literature only. Allele origin: germline. Not counted in ClinVar's aggregate classification.

Literature cited by the submitters: PubMed 29100095 (cited by SIB Swiss Institute of Bioinformatics and OMIM).

NM_003801.4(GPAA1):c.160_161delinsAA (p.Ala54Asn)

Gene: GPAA1 (glycosylphosphatidylinositol anchor attachment 1; plus strand). Cytogenetic location: 8q24.3.
Variant type: Indel.
Coding change: c.160_161delinsAA on transcript NM_003801.4 (MANE Select); coding-DNA positions 160 to 161, GC replaced by AA.
Protein change: p.Ala54Asn; replaces alanine 54 with asparagine.
Molecular consequence: missense variant.
Genome position (GRCh38, 1-based): chr8:144,083,209-144,083,210, GC replaced by AA. VCF-style: chr8-144083209-GC-AA. GRCh37 (hg19) VCF-style: chr8-145138112-GC-AA.
Other names: short protein forms A54N.
Identifiers: ClinVar variation 453252 (VCV000453252.2), dbSNP rs1554763777, ClinGen allele CA658657840.